The following is an entry in ClinVar:

NM_003072.5(SMARCA4):c.4035G>A (p.Ser1345=)

Gene: SMARCA4 (SWI/SNF related BAF chromatin remodeling complex subunit ATPase 4; plus strand). Cytogenetic location: 19p13.2.
Variant type: single nucleotide variant.
Coding change: c.4035G>A on transcript NM_003072.5 (MANE Select); coding-DNA position 4035, G replaced by A.
Protein change: p.Ser1345=; no amino-acid change (serine 1345 retained).
Molecular consequence: synonymous variant. On other transcripts: non-coding transcript variant (1).
Genome position (GRCh38, 1-based): chr19:11,034,997, G>A. VCF-style: chr19-11034997-G-A. GRCh37 (hg19) VCF-style: chr19-11145673-G-A.
Other names: c.4035G>A, p.Ser1345= (NM_001128844.3, NM_001128849.3, NM_001387283.1); c.3936G>A, p.Ser1312= (NM_001128845.2, NM_001128846.2, NM_001128847.4 and 2 more transcripts).
Identifiers: ClinVar variation 238446 (VCV000238446.20), dbSNP rs878854220, ClinGen allele CA10583750.

ClinVar aggregate classification (germline): Benign/Likely benign. Review status: criteria provided, multiple submitters, no conflicts (2 of 4 stars). 5 submissions from 5 submitters: Benign (1); Likely benign (3). 1 of the submissions does not count toward it. Last evaluated 2026-07-17.

Conditions:
SMARCA4-related disorder. Also called: SMARCA4-related condition.
Hereditary cancer-predisposing syndrome. Also called: Hereditary Cancer Syndrome; Tumor predisposition; Hereditary neoplastic syndrome; Neoplastic Syndromes, Hereditary. Identifiers: Orphanet 140162, MedGen C0027672, MeSH D009386, MONDO:0015356.
Rhabdoid tumor predisposition syndrome 2 (RTPS2). Identifiers: Orphanet 231108, Orphanet 69077, MedGen C2750074, MONDO:0013224, OMIM 613325.

Allele frequency attached by ClinVar (database versions not stated): gnomAD exomes 0.00002 and below 0.00001; TOPMed 0.00003; gnomAD 0.00002.
gnomAD v4.1: 28 of 1,610,686 alleles (0.0017%); highest among the groups gnomAD compares: East Asian, 0.0022%; no homozygotes.

Submissions (5):

Myriad Genetics, Inc.
Classification: Benign for Rhabdoid tumor predisposition syndrome 2. Last evaluated: 2026-07-17. Review status: criteria provided, single submitter. Criteria: Myriad Autosomal Dominant, Autosomal Recessive and X-Linked Classification Criteria (2023). Collection method: clinical testing. Allele origin: unknown.
Comment: This variant is considered benign. This variant is a silent/synonymous amino acid change and it is not expected to impact splicing.

Labcorp Genetics (formerly Invitae), Labcorp
Classification: Likely benign for Rhabdoid tumor predisposition syndrome 2. Last evaluated: 2025-05-27. Review status: criteria provided, single submitter. Criteria: Invitae Variant Classification Sherloc (09022015). Collection method: clinical testing. Allele origin: germline.

Sema4
Classification: Likely benign for Hereditary cancer-predisposing syndrome. Last evaluated: 2022-01-06. Review status: criteria provided, single submitter. Criteria: Sema4 Curation Guidelines. Collection method: curation. Allele origin: germline.

Ambry Genetics
Classification: Likely benign for Hereditary cancer-predisposing syndrome. Last evaluated: 2015-10-04. Review status: criteria provided, single submitter. Criteria: Ambry Variant Classification Scheme 2023. Collection method: clinical testing. Allele origin: germline.

PreventionGenetics, part of Exact Sciences
Classification: Likely benign for SMARCA4-related condition. Last evaluated: 2021-05-19. Review status: no assertion criteria provided. Collection method: clinical testing. Allele origin: germline. Not counted in ClinVar's aggregate classification.
Comment: This variant is classified as likely benign based on ACMG/AMP sequence variant interpretation guidelines (Richards et al. 2015 PMID: 25741868, with internal and published modifications).